The following is an entry in ClinVar:

NM_007294.4(BRCA1):c.287A>G (p.Asp96Gly)

Gene: BRCA1 (BRCA1 DNA repair associated; minus strand). Cytogenetic location: 17q21.31.
Variant type: single nucleotide variant.
Coding change: c.287A>G on transcript NM_007294.4 (MANE Select); coding-DNA position 287, A replaced by G.
Protein change: p.Asp96Gly; replaces aspartic acid 96 with glycine.
Molecular consequence: missense variant. On other transcripts: non-coding transcript variant (1).
Genome position (GRCh38, 1-based): chr17:43,104,882, T>C on the plus strand (A>G on the coding strand, the complement: BRCA1 is on the minus strand). VCF-style: chr17-43104882-T-C. GRCh37 (hg19) VCF-style: chr17-41256899-T-C.
Other names: c.-95A>G (NM_001408510.1, NM_001408512.1, NM_001407959.1 and 4 more transcripts); c.146A>G, p.Asp49Gly (NM_001408511.1, NM_007297.4, NM_001407692.1 and 99 more transcripts); c.77A>G, p.Asp26Gly (NM_001408513.1, NM_001408514.1, NM_001407853.1 and 58 more transcripts); c.287A>G, p.Asp96Gly (NM_007298.4, NM_007299.4, NM_007300.4 and 168 more transcripts); c.209A>G, p.Asp70Gly (NM_001407653.1, NM_001407654.1, NM_001407655.1 and 21 more transcripts); c.155A>G, p.Asp52Gly (NM_001408451.1); short protein forms D96G, D49G, D52G, D26G, D70G.
Identifiers: ClinVar variation 220258 (VCV000220258.26), dbSNP rs864622444, ClinGen allele CA348195.

ClinVar aggregate classification (germline): Pathogenic/Likely pathogenic. Review status: criteria provided, multiple submitters, no conflicts (2 of 4 stars). 6 submissions from 6 submitters: Pathogenic (1); Likely pathogenic (5). Last evaluated 2024-10-22.

Conditions:
Breast-ovarian cancer, familial, susceptibility to, 1 (BROVCA1). Also called: BRCA1 Hereditary Breast and Ovarian Cancer; OVARIAN CANCER, SUSCEPTIBILITY TO. Identifiers: Orphanet 145, MedGen C2676676, MONDO:0011450, OMIM 604370. Disease mechanism: loss of function.
Hereditary cancer-predisposing syndrome. Also called: Tumor predisposition; Hereditary Cancer Syndrome; Neoplastic Syndromes, Hereditary; Hereditary neoplastic syndrome. Identifiers: Orphanet 140162, MedGen C0027672, MeSH D009386, MONDO:0015356.
Hereditary breast ovarian cancer syndrome. Also called: Breast and ovarian cancer; Hereditary breast and ovarian cancer; Hereditary breast and ovarian cancer syndrome; Hereditary breast and/or ovarian cancer syndrome; BRCA1- and BRCA2-Associated Hereditary Breast and Ovarian Cancer; Hereditary breast and ovarian cancer syndrome (HBOC). Identifiers: Orphanet 145, MedGen C0677776, MeSH D061325, MONDO:0003582. Disease mechanism: loss of function.
Pancreatic cancer, susceptibility to, 4. Identifiers: Orphanet 1333, MedGen C3280442, MONDO:0013685, OMIM 614320.
Familial cancer of breast. Also called: BREAST CANCER, FAMILIAL; hereditary breast carcinoma; Hereditary breast cancer. Identifiers: Orphanet 227535, MedGen C0346153, MONDO:0016419, OMIM 114480. Disease mechanism: loss of function.
Fanconi anemia, complementation group S (FANCS). Identifiers: MedGen C4554406, MONDO:0054748, OMIM 617883.

Submissions (7):

Molecular Pathology, Peter Maccallum Cancer Centre
Classification: Likely pathogenic for Breast-ovarian cancer, familial, susceptibility to, 1. Last evaluated: 2024-10-22. Review status: criteria provided, single submitter. Criteria: ACMG Guidelines, 2015. Collection method: clinical testing. Allele origin: germline. Inheritance: Autosomal dominant inheritance.

Color Diagnostics, LLC DBA Color Health
Classification: Likely pathogenic for Hereditary cancer-predisposing syndrome. Last evaluated: 2024-06-10. Review status: criteria provided, single submitter. Criteria: ACMG Guidelines, 2015. Collection method: clinical testing. Allele origin: germline.
Comment: This missense variant replaces aspartic acid with glycine at codon 96 in the RING domain of the BRCA1 protein. Computational prediction suggests that this variant may have deleterious impact on protein structure and function. Functional studies have reported that this variant impacts BRCA1 function in a ubiquitin E3 ligase assay, two BARD1-binding assays and a haploid cell proliferation assay (PMID: 25823446, 30209399, 35659930). This variant has been reported in at least two individuals affected with ovarian cancer (PMID: 37664050, 38386807) and have been detected in additional individuals affected with breast or ovarian cancer (PMID: 37656691; ClinVar variation ID: SCV002749569.2, SCV000260660.8; External laboratory communication). This variant has not been identified in the general population by the Genome Aggregation Database (gnomAD). Based on the available evidence, this variant is classified as Likely Pathogenic.

Labcorp Genetics (formerly Invitae), Labcorp
Classification: Likely pathogenic for Hereditary breast ovarian cancer syndrome. Last evaluated: 2023-08-14. Review status: criteria provided, single submitter. Criteria: Invitae Variant Classification Sherloc (09022015). Collection method: clinical testing. Allele origin: germline.
Comment: This sequence change replaces aspartic acid, which is acidic and polar, with glycine, which is neutral and non-polar, at codon 96 of the BRCA1 protein (p.Asp96Gly). This variant is not present in population databases (gnomAD no frequency). This missense change has been observed in individual(s) with breast and/or ovarian cancer (Invitae). ClinVar contains an entry for this variant (Variation ID: 220258). Advanced modeling performed at Invitae incorporating data from internal and/or published experimental studies (PMID: 30209399) indicates that this missense variant is expected to disrupt BRCA1 function. Experimental studies have shown that this missense change affects BRCA1 function (PMID: 30209399). In summary, the currently available evidence indicates that the variant is pathogenic, but additional data are needed to prove that conclusively. Therefore, this variant has been classified as Likely Pathogenic.

Myriad Genetics, Inc.
Classification: Likely pathogenic for Breast-ovarian cancer, familial, susceptibility to, 1. Last evaluated: 2023-06-12. Review status: criteria provided, single submitter. Criteria: Myriad Autosomal Dominant, Autosomal Recessive and X-Linked Classification Criteria (2023). Collection method: clinical testing. Allele origin: unknown.
Comment: This variant is considered likely pathogenic. Functional studies indicate this variant impacts protein function [PMID: 30209399, 35659930]. This variant is expected to disrupt protein structure [Myriad internal data].

Fulgent Genetics
Classification: Likely pathogenic for Familial cancer of breast; Breast-ovarian cancer, familial, susceptibility to, 1; Pancreatic cancer, susceptibility to, 4; Fanconi anemia, complementation group S. Last evaluated: 2022-04-20. Review status: criteria provided, single submitter. Criteria: ACMG Guidelines, 2015. Collection method: clinical testing. Allele origin: unknown.

Ambry Genetics
Classification: Pathogenic for Hereditary cancer-predisposing syndrome. Last evaluated: 2021-10-13. Review status: criteria provided, single submitter. Criteria: Ambry Variant Classification Scheme 2023. Collection method: clinical testing. Allele origin: germline.
Comment: The p.D96G variant (also known as c.287A>G), located in coding exon 4 of the BRCA1 gene, results from an A to G substitution at nucleotide position 287. The aspartic acid at codon 96 is replaced by glycine, an amino acid with similar properties. One functional study found that this nucleotide substitution is non-functional in a high-throughput, genome editing, haploid cell survival assay (Findlay GM et al. Nature, 2018 10;562:217-222). Additional alterations at the same codon have also been found to cause loss of function and have been detected in individuals with breast and/or ovarian cancer (Findlay GM et al. Nature, 2018 10;562:217-222; Ambry internal data). This variant is considered to be rare based on population cohorts in the Genome Aggregation Database (gnomAD). This amino acid position is highly conserved in available vertebrate species. In addition, this alteration is predicted to be deleterious by in silico analysis. Based on the supporting evidence, this alteration is interpreted as a disease-causing mutation.

Brotman Baty Institute, University of Washington
No classification provided (evidence only). Condition: Breast-ovarian cancer, familial 1. Review status: no classification provided. Collection method: in vitro. Allele origin: not applicable. Functional consequence: functionally_abnormal. Not counted in ClinVar's aggregate classification.
ClinVar note: "not provided" was previously submitted as the classification for the variant. However, the classification appeared to be based only on an observation of functional data so it was converted to no classification on 2025-07-30.

Literature cited by the submitters: PubMed 25823446 (cited by Color Diagnostics, LLC DBA Color Health); PubMed 30209399 (cited by 4 submitters); PubMed 35659930 (cited by Color Diagnostics, LLC DBA Color Health and Myriad Genetics, Inc.); PubMed 37656691 (cited by Color Diagnostics, LLC DBA Color Health); PubMed 37664050 (cited by Color Diagnostics, LLC DBA Color Health); PubMed 38386807 (cited by Color Diagnostics, LLC DBA Color Health).